The following is an entry in ClinVar:

NM_000038.6(APC):c.1713A>G (p.Ala571=)

Gene: APC (APC regulator of Wnt signaling pathway; plus strand). Cytogenetic location: 5q22.2.
Variant type: single nucleotide variant.
Coding change: c.1713A>G on transcript NM_000038.6 (MANE Select); coding-DNA position 1713, A replaced by G.
Protein change: p.Ala571=; no amino-acid change (alanine 571 retained).
Molecular consequence: synonymous variant.
Genome position (GRCh38, 1-based): chr5:112,828,942, A>G. VCF-style: chr5-112828942-A-G. GRCh37 (hg19) VCF-style: chr5-112164639-A-G.
Other names: c.1713A>G, p.Ala571= (NM_001127510.3, NM_001354895.2); c.1659A>G, p.Ala553= (NM_001127511.3); c.1767A>G, p.Ala589= (NM_001354896.2); c.1743A>G, p.Ala581= (NM_001354897.2); c.1638A>G, p.Ala546= (NM_001354898.2); c.1629A>G, p.Ala543= (NM_001354899.2); c.1590A>G, p.Ala530= (NM_001354900.2); c.1536A>G, p.Ala512= (NM_001354901.2); and 5 more.
Identifiers: ClinVar variation 377490 (VCV000377490.23), dbSNP rs529306174, ClinGen allele CA029119.
Genomic context (GRCh38, chr5:112,828,942, plus strand): 5'-GTCTTGGCGAGCAGATGTAAATAGTAAAAAGACGTTGCGAGAAGTTGGAAGTGTGAAAGC[A>G]TTGATGGAATGTGCTTTAGAAGTTAAAAAGGTACCTTTGAAAACATTTAGTACTATAATA-3'
Protein context (NP_000029.2, residues 561-581): KTLREVGSVK[Ala571=]LMECALEVKK

ClinVar aggregate classification (germline): Benign/Likely benign. Review status: criteria provided, multiple submitters, no conflicts (2 of 4 stars). 9 submissions from 9 submitters: Benign (2); Likely benign (6). 1 of the submissions does not count toward it. Last evaluated 2026-01-28.

Conditions:
Classic or attenuated familial adenomatous polyposis. Identifiers: MedGen CN372698, MONDO:0021057.
Hereditary cancer-predisposing syndrome. Also called: Hereditary neoplastic syndrome; Hereditary Cancer Syndrome; Neoplastic Syndromes, Hereditary; Tumor predisposition. Identifiers: Orphanet 140162, MedGen C0027672, MeSH D009386, MONDO:0015356.
Familial adenomatous polyposis 1 (FAP1). Also called: FAMILIAL ADENOMATOUS POLYPOSIS 1, ATTENUATED; POLYPOSIS, ADENOMATOUS INTESTINAL. Identifiers: MedGen C2713442, MONDO:0021056, OMIM 175100. Disease mechanism: loss of function.

Allele frequency attached by ClinVar (database versions not stated): ExAC 0.00002; gnomAD 0.00002; gnomAD exomes 0.00002; TOPMed 0.00004; 1000 Genomes Project 30x 0.00016; 1000 Genomes Project 0.00020.
gnomAD v4.1: 27 of 1,613,626 alleles (0.0017%); highest among the groups gnomAD compares: South Asian, 0.012%; 1 homozygote.

Submissions (9):

Labcorp Genetics (formerly Invitae), Labcorp
Classification: Likely benign for Familial adenomatous polyposis 1. Last evaluated: 2026-01-28. Review status: criteria provided, single submitter. Criteria: Invitae Variant Classification Sherloc (09022015). Collection method: clinical testing. Allele origin: germline.

Women's Health and Genetics/Laboratory Corporation of America, LabCorp
Classification: Likely benign. Last evaluated: 2024-08-09. Review status: criteria provided, single submitter. Criteria: LabCorp Variant Classification Summary - May 2015. Collection method: clinical testing. Allele origin: germline.

Myriad Genetics, Inc.
Classification: Benign for Familial adenomatous polyposis 1. Last evaluated: 2024-03-06. Review status: criteria provided, single submitter. Criteria: Myriad Autosomal Dominant, Autosomal Recessive and X-Linked Classification Criteria (2023). Collection method: clinical testing. Allele origin: unknown.
Comment: This variant is considered benign. This variant is a silent/synonymous amino acid change and it is not expected to impact splicing.

All of Us Research Program, National Institutes of Health
Classification: Likely benign for Classic or attenuated familial adenomatous polyposis. Last evaluated: 2023-12-18. Review status: criteria provided, single submitter. Criteria: ACMG Guidelines, 2015. Collection method: clinical testing. Allele origin: germline. Inheritance: Autosomal dominant inheritance. Observed: 6 variant alleles, 6 heterozygotes.
Comment: This study involves interpretation of variants in research participants for the purpose of population health screening. Participant phenotype was not available at the time of variant classification. Additional details can be found in publication PMID: 35346344, PMCID: PMC8962531

Quest Diagnostics Nichols Institute San Juan Capistrano
Classification: Likely benign. Last evaluated: 2022-11-11. Review status: criteria provided, single submitter. Criteria: Quest Diagnostics criteria. Collection method: clinical testing. Allele origin: unknown.

Color Diagnostics, LLC DBA Color Health
Classification: Likely benign for Hereditary cancer-predisposing syndrome. Last evaluated: 2016-11-15. Review status: criteria provided, single submitter. Criteria: ACMG Guidelines, 2015. Collection method: clinical testing. Allele origin: germline.

Ambry Genetics
Classification: Likely benign for Hereditary cancer-predisposing syndrome. Last evaluated: 2015-04-28. Review status: criteria provided, single submitter. Criteria: Ambry Variant Classification Scheme 2023. Collection method: clinical testing. Allele origin: germline.

GeneDx
Classification: Benign. Last evaluated: 2015-03-19. Review status: criteria provided, single submitter. Criteria: GeneDx Variant Classification (06012015). Collection method: clinical testing. Allele origin: germline. Affected: yes.
Comment: This variant is considered likely benign or benign based on one or more of the following criteria: it is a conservative change, it occurs at a poorly conserved position in the protein, it is predicted to be benign by multiple in silico algorithms, and/or has population frequency not consistent with disease.

Department of Pathology and Laboratory Medicine, Sinai Health System
Classification: Likely benign for Familial adenomatous polyposis 1. Review status: no assertion criteria provided. Collection method: clinical testing. Allele origin: unknown. Affected: yes. Observed: 1 variant allele. Study: The Canadian Open Genetics Repository (COGR). Not counted in ClinVar's aggregate classification.
Comment: The APC p.Ala571Ala variant is not expected to have clinical significance because it does not result in a change of amino acid and is not located in a known consensus splice site. In addition, in silico or computational prediction software programs (SpliceSiteFinder, MaxEntScan, NNSPLICE, GeneSplicer, HumanSpliceFinder) do not predict a difference in splicing. The variant was not identified in the literature, nor was it identified in dbSNP, the NHLBI Exome Sequencing Project (Exome Variant Server), HGMD, UMD, the â€šÃ„ÃºInSiGHT Colon Cancer Databaseâ€šÃ„Ã¹, or the COSMIC database. In summary, based on the above information, the clinical significance of this variant cannot be determined with certainty at this time although we would lean towards a more benign role for this variant. This variant is classified as predicted benign.